The following is an entry in ClinVar:

ClinVar aggregate classification (germline): Pathogenic (1 of 4 stars; one submission).

Submission:

Labcorp Genetics (formerly Invitae), Labcorp
Classification: Pathogenic. Last evaluated: 2023-07-12. Review status: criteria provided, single submitter. Criteria: Invitae Variant Classification Sherloc (09022015). Collection method: clinical testing. Allele origin: germline.
Comment: This sequence change creates a premature translational stop signal (p.Ile236*) in the HACD1 gene. It is expected to result in an absent or disrupted protein product. Loss-of-function variants in HACD1 are known to be pathogenic (PMID: 23933735). This variant is not present in population databases (gnomAD no frequency). This variant has not been reported in the literature in individuals affected with HACD1-related conditions. For these reasons, this variant has been classified as Pathogenic.

Literature cited by the submitters: PubMed 23933735.

NM_014241.4(HACD1):c.706del (p.Ser235_Ile236insTer)

Gene: HACD1 (3-hydroxyacyl-CoA dehydratase 1; minus strand). Cytogenetic location: 10p12.33.
Variant type: Deletion.
Coding change: c.706del on transcript NM_014241.4 (MANE Select); coding-DNA position 706, one base deleted (A; older notation c.706delA).
Protein change: p.Ser235_Ile236insTer.
Molecular consequence: nonsense.
Genome position (GRCh38, 1-based): chr10:17,594,283, T deleted on the plus strand (A on the coding strand, the reverse complement: HACD1 is on the minus strand); the first of 2 consecutive T bases (chr10:17,594,283-17,594,284); deleting either gives the same sequence. VCF-style (leftmost placement, unchanged base first): chr10-17594282-AT-A. GRCh37 (hg19) VCF-style: chr10-17636281-AT-A.
Identifiers: ClinVar variation 2741747 (VCV002741747.3), dbSNP rs2493849055, ClinGen allele CA2697558297.